The following continues an entry in ClinVar:

NM_000059.4(BRCA2):c.9501+9A>C

Gene: BRCA2. ClinVar aggregate classification (germline): Benign. Benign (1).

Submission 18 of 18:

Department of Pathology and Laboratory Medicine, Sinai Health System
Classification: Likely benign for Malignant tumor of breast. Review status: no assertion criteria provided. Collection method: clinical testing. Allele origin: unknown. Affected: yes. Study: The Canadian Open Genetics Repository (COGR). Not counted in ClinVar's aggregate classification.
Comment: The BRCA2 c.9501+9A>C variant was identified in 1 of 820 proband chromosomes (frequency: 0.001) from individuals or families with breast and ovarian (Diez 2003) and was not identified in 200 control chromosomes from healthy individuals (Claes 2003). The variant was also identified in dbSNP (ID: rs81002867) as With other allele, ClinVar (classified as benign by GeneDx, ARUP, Color Genomics, Laboratory Corporation of America, Invitae, SCRP; as likely benign by Counsyl), Clinvitae, COGR (likely benign/benign), LOVD 3.0, UMD-LSDB (36X uncertain significance), BIC Database (unknown clinical importance). In UMD the variant was identified with a co-occurring pathogenic BRCA2 variant (c.5909C>A (p.Ser1970X), increasing the likelihood that the c.9501+9A>C variant does not have clinical significance. The variant was not identified in ARUP Laboratories, Zhejiang Colon Cancer Database, databases. The variant was identified in control databases in 17 of 276704 chromosomes at a frequency of 0.0001 (Genome Aggregation Database Feb 27, 2017). It was observed in the following populations: â€šÃ„ÃºOtherâ€šÃ„Ã¹ in 1 of 6454 chromosomes (freq: 0.0002), Latino in 3 of 34398 chromosomes (freq: 0.0001), European in 13 of 126364 chromosomes (freq: 0.0001); but not in the African, Ashkenazi Jewish, East Asian, Finnish, and South Asian populations. The variant occurs outside of the splicing consensus sequence and 1 of 5 in silico or computational prediction software programs (SpliceSiteFinder, MaxEntScan, NNSPLICE, GeneSplicer, HumanSpliceFinder) predict a greater than 10% difference in splicing; this is not very predictive of pathogenicity. In addition, mRNA and bioinformatics analysis of the variant showed no alteration effect at the cDNA and protein level (Easton 2007, Campos 2003, Claes 2003, Houdayer 2012, Lindor 2012, Whiley 2011, Thery 2011). In summary, based on the above information, the clinical significance of this variant cannot be determined with certainty at this time although we would lean towards a more benign role for this variant. This variant is classified as likely benign.

Literature cited by the submitters: PubMed 31131967 (cited by Evidence-based Network for the Interpretation of Germline Mutant Alleles (ENIGMA)); PubMed 23893897 (cited by Illumina Laboratory Services, Illumina and Women's Health and Genetics/Laboratory Corporation of America, LabCorp); PubMed 21394826 (cited by Illumina Laboratory Services, Illumina and Women's Health and Genetics/Laboratory Corporation of America, LabCorp); PubMed 25085752 (cited by Illumina Laboratory Services, Illumina and Women's Health and Genetics/Laboratory Corporation of America, LabCorp); PubMed 15026808 (cited by Women's Health and Genetics/Laboratory Corporation of America, LabCorp); PubMed 12754708 (cited by Women's Health and Genetics/Laboratory Corporation of America, LabCorp); PubMed 21990134 (cited by Women's Health and Genetics/Laboratory Corporation of America, LabCorp); PubMed 11843247 (cited by Women's Health and Genetics/Laboratory Corporation of America, LabCorp); PubMed 22505045 (cited by Women's Health and Genetics/Laboratory Corporation of America, LabCorp); PubMed 12955716 (cited by Women's Health and Genetics/Laboratory Corporation of America, LabCorp and Counsyl); PubMed 17924331 (cited by Women's Health and Genetics/Laboratory Corporation of America, LabCorp and Counsyl); PubMed 18418466 (cited by Women's Health and Genetics/Laboratory Corporation of America, LabCorp); PubMed 12955719 (cited by Women's Health and Genetics/Laboratory Corporation of America, LabCorp and Counsyl); PubMed 30472649 (cited by Hereditary Cancer Genetics group, Vall d'Hebron Institute of Oncology); PubMed 21673748 (cited by Counsyl); PubMed 12759930 (cited by Counsyl).